The following is an entry in ClinVar:

ClinVar aggregate classification (germline): Uncertain significance (1 of 4 stars; one submission).

Submission:

Labcorp Genetics (formerly Invitae), Labcorp
Classification: Uncertain significance. Last evaluated: 2022-04-09. Review status: criteria provided, single submitter. Criteria: Invitae Variant Classification Sherloc (09022015). Collection method: clinical testing. Allele origin: germline.
Comment: This sequence change replaces valine, which is neutral and non-polar, with leucine, which is neutral and non-polar, at codon 367 of the TGFB1 protein (p.Val367Leu). This variant is not present in population databases (gnomAD no frequency). This variant has not been reported in the literature in individuals affected with TGFB1-related conditions. Algorithms developed to predict the effect of missense changes on protein structure and function (SIFT, PolyPhen-2, Align-GVGD) all suggest that this variant is likely to be tolerated. In summary, the available evidence is currently insufficient to determine the role of this variant in disease. Therefore, it has been classified as a Variant of Uncertain Significance.

NM_000660.7(TGFB1):c.1099G>C (p.Val367Leu)

Gene: TGFB1 (transforming growth factor beta 1; minus strand). Cytogenetic location: 19q13.2.
Variant type: single nucleotide variant.
Coding change: c.1099G>C on transcript NM_000660.7 (MANE Select); coding-DNA position 1099, G replaced by C.
Protein change: p.Val367Leu; replaces valine 367 with leucine.
Molecular consequence: missense variant.
Genome position (GRCh38, 1-based): chr19:41,331,126, C>G on the plus strand (G>C on the coding strand, the complement: TGFB1 is on the minus strand). VCF-style: chr19-41331126-C-G. GRCh37 (hg19) VCF-style: chr19-41837031-C-G.
Other names: short protein forms V367L.
Identifiers: ClinVar variation 1908628 (VCV001908628.2), dbSNP rs1259990378, ClinGen allele CA405997772.